The following is an entry in ClinVar:

ClinVar aggregate classification (germline): Uncertain significance (1 of 4 stars; one submission).

Allele frequency attached by ClinVar (database versions not stated): gnomAD exomes 0.00001.

Submission:

Labcorp Genetics (formerly Invitae), Labcorp
Classification: Uncertain significance. Last evaluated: 2023-02-24. Review status: criteria provided, single submitter. Criteria: Invitae Variant Classification Sherloc (09022015). Collection method: clinical testing. Allele origin: germline.
Comment: In summary, the available evidence is currently insufficient to determine the role of this variant in disease. Therefore, it has been classified as a Variant of Uncertain Significance. An algorithm developed to predict the effect of missense changes on protein structure and function (PolyPhen-2) suggests that this variant is likely to be disruptive. This variant has not been reported in the literature in individuals affected with VAV1-related conditions. This variant is present in population databases (no rsID available, gnomAD 0.0009%). This sequence change replaces isoleucine, which is neutral and non-polar, with valine, which is neutral and non-polar, at codon 718 of the VAV1 protein (p.Ile718Val).

NM_005428.4(VAV1):c.2152A>G (p.Ile718Val)

Gene: VAV1 (vav guanine nucleotide exchange factor 1; plus strand). Cytogenetic location: 19p13.3.
Variant type: single nucleotide variant.
Coding change: c.2152A>G on transcript NM_005428.4 (MANE Select); coding-DNA position 2152, A replaced by G.
Protein change: p.Ile718Val; replaces isoleucine 718 with valine.
Molecular consequence: missense variant.
Genome position (GRCh38, 1-based): chr19:6,850,692, A>G. VCF-style: chr19-6850692-A-G. GRCh37 (hg19) VCF-style: chr19-6850703-A-G.
Other names: c.2086A>G, p.Ile696Val (NM_001258206.2); c.2056A>G, p.Ile686Val (NM_001258207.2); short protein forms I696V, I718V, I686V.
Identifiers: ClinVar variation 2875932 (VCV002875932.3), dbSNP rs1366527500, ClinGen allele CA403635883.
Genomic context (GRCh38, chr19:6,850,692, plus strand): 5'-GTCCCCAGACTCAGGGCCCGGTGACCATCTGGTTCCAGATATAACGTCGAGGTCAAGCAC[A>G]TTAAAATCATGACAGCAGAAGGACTGTACCGGATCACAGAGAAAAAGGCTTTCCGGGGGC-3'
Protein context (NP_005419.2, residues 708-728): SIKYNVEVKH[Ile718Val]KIMTAEGLYR